The following is an entry in ClinVar:

NM_003073.5(SMARCB1):c.593A>T (p.Gln198Leu)

Gene: SMARCB1 (SWI/SNF related BAF chromatin remodeling complex subunit B1; plus strand). Cytogenetic location: 22q11.23.
Variant type: single nucleotide variant.
Coding change: c.593A>T on transcript NM_003073.5 (MANE Select); coding-DNA position 593, A replaced by T.
Protein change: p.Gln198Leu; replaces glutamine 198 with leucine.
Molecular consequence: missense variant.
Genome position (GRCh38, 1-based): chr22:23,803,387, A>T. VCF-style: chr22-23803387-A-T. GRCh37 (hg19) VCF-style: chr22-24145574-A-T.
Other names: c.566A>T, p.Gln189Leu (NM_001007468.3); c.620A>T, p.Gln207Leu (NM_001317946.2); c.647A>T, p.Gln216Leu (NM_001362877.2); short protein forms Q198L, Q207L, Q189L, Q216L.
Identifiers: ClinVar variation 4741994 (VCV004741994.1).

ClinVar aggregate classification (germline): Uncertain significance (1 of 4 stars; one submission).

Submission:

Labcorp Genetics (formerly Invitae), Labcorp
Classification: Uncertain significance. Last evaluated: 2025-09-13. Review status: criteria provided, single submitter. Criteria: Invitae Variant Classification Sherloc (09022015). Collection method: clinical testing. Allele origin: germline.
Comment: This sequence change replaces glutamine, which is neutral and polar, with leucine, which is neutral and non-polar, at codon 198 of the SMARCB1 protein (p.Gln198Leu). This variant is not present in population databases (gnomAD no frequency). This variant has not been reported in the literature in individuals affected with SMARCB1-related conditions. Invitae Evidence Modeling of protein sequence and biophysical properties (such as structural, functional, and spatial information, amino acid conservation, physicochemical variation, residue mobility, and thermodynamic stability) indicates that this missense variant is not expected to disrupt SMARCB1 protein function with a negative predictive value of 80%. In summary, the available evidence is currently insufficient to determine the role of this variant in disease. Therefore, it has been classified as a Variant of Uncertain Significance.